The following is an entry in ClinVar:

ClinVar aggregate classification (germline): Uncertain significance. Review status: criteria provided, multiple submitters, no conflicts (2 of 4 stars). 3 submissions from 3 submitters: Uncertain significance (3). Last evaluated 2024-01-24.

Conditions:
Epidermolysis bullosa simplex, Ogna type (EBS5A). Also called: Pidermolysis bullosa simplex 5A, Ogna type; EPIDERMOLYSIS BULLOSA SIMPLEX 5A, OGNA TYPE. Identifiers: Orphanet 79401, MedGen C0432317, MONDO:0007555, OMIM 131950.
Autosomal recessive limb-girdle muscular dystrophy type 2Q (LGMDR17). Also called: MUSCULAR DYSTROPHY, LIMB-GIRDLE, AUTOSOMAL RECESSIVE 17. Identifiers: Orphanet 254361, MedGen C3150989, MONDO:0013390, OMIM 613723.
Epidermolysis bullosa simplex with nail dystrophy (EBS5D). Identifiers: MedGen C4225309, MONDO:0014661, OMIM 616487.
Epidermolysis bullosa simplex 5B, with muscular dystrophy (EBS5B). Also called: Epidermolysis bullosa simplex with muscular dystrophy; EPIDERMOLYSIS BULLOSA SIMPLEX AND LIMB-GIRDLE MUSCULAR DYSTROPHY. Identifiers: Orphanet 257, MedGen C2931072, MONDO:0009181, OMIM 226670.
Epidermolysis bullosa simplex 5C, with pyloric atresia (EBS5C). Also called: PLEC-Related Epidermolysis Bullosa with Pyloric Atresia; Epidermolysis bullosa simplex with pyloric atresia; PLEC1-Related Epidermolysis Bullosa with Pyloric Atresia. Identifiers: Orphanet 158684, MedGen C2677349, MONDO:0012807, OMIM 612138.
Inborn genetic diseases. Identifiers: MedGen C0950123, MeSH D030342.

gnomAD v4.1: 10 of 1,611,826 alleles (0.00062%); highest among the groups gnomAD compares: Non-Finnish European, 0.00085%; no homozygotes.

Submissions (3):

Ambry Genetics
Classification: Uncertain significance for Inborn genetic diseases. Last evaluated: 2024-01-24. Review status: criteria provided, single submitter. Criteria: Ambry Variant Classification Scheme 2023. Collection method: clinical testing. Allele origin: germline.

Labcorp Genetics (formerly Invitae), Labcorp
Classification: Uncertain significance for Autosomal recessive limb-girdle muscular dystrophy type 2Q; Epidermolysis bullosa simplex, Ogna type; Epidermolysis bullosa simplex with nail dystrophy; Epidermolysis bullosa simplex 5C, with pyloric atresia; Epidermolysis bullosa simplex 5B, with muscular dystrophy. Last evaluated: 2023-12-11. Review status: criteria provided, single submitter. Criteria: Invitae Variant Classification Sherloc (09022015). Collection method: clinical testing. Allele origin: germline.
Comment: This sequence change replaces threonine, which is neutral and polar, with isoleucine, which is neutral and non-polar, at codon 4463 of the PLEC protein (p.Thr4463Ile). This variant is present in population databases (no rsID available, gnomAD 0.007%). This variant has not been reported in the literature in individuals affected with PLEC-related conditions. ClinVar contains an entry for this variant (Variation ID: 645486). Advanced modeling of protein sequence and biophysical properties (such as structural, functional, and spatial information, amino acid conservation, physicochemical variation, residue mobility, and thermodynamic stability) has been performed at Invitae for this missense variant, however the output from this modeling did not meet the statistical confidence thresholds required to predict the impact of this variant on PLEC protein function. In summary, the available evidence is currently insufficient to determine the role of this variant in disease. Therefore, it has been classified as a Variant of Uncertain Significance.

Revvity Omics, Revvity
Classification: Uncertain significance. Last evaluated: 2019-06-07. Review status: criteria provided, single submitter. Criteria: ACMG Guidelines, 2015. Collection method: clinical testing. Allele origin: germline.

NM_201384.3(PLEC):c.13307C>T (p.Thr4436Ile)

Gene: PLEC (plectin; minus strand). Cytogenetic location: 8q24.3.
Variant type: single nucleotide variant.
Coding change: c.13307C>T on transcript NM_201384.3 (MANE Select); coding-DNA position 13307, C replaced by T.
Protein change: p.Thr4436Ile; replaces threonine 4436 with isoleucine.
Molecular consequence: missense variant.
Genome position (GRCh38, 1-based): chr8:143,916,514, G>A on the plus strand (C>T on the coding strand, the complement: PLEC is on the minus strand). VCF-style: chr8-143916514-G-A. GRCh37 (hg19) VCF-style: chr8-144990682-G-A.
Other names: c.13388C>T (NM_000445.3); c.13388C>T, p.Thr4463Ile (NM_000445.5); c.13265C>T, p.Thr4422Ile (NM_201378.4); c.13241C>T, p.Thr4414Ile (NM_201379.3); c.13718C>T, p.Thr4573Ile (NM_201380.4); c.13211C>T, p.Thr4404Ile (NM_201381.3); c.13307C>T, p.Thr4436Ile (NM_201382.4); c.13319C>T, p.Thr4440Ile (NM_201383.3); short protein forms T4463I, T4414I, T4422I, T4440I, T4436I, T4573I, T4404I.
Identifiers: ClinVar variation 645486 (VCV000645486.12), dbSNP rs1554669404, ClinGen allele CA372475678.